The following is an entry in ClinVar:

ClinVar aggregate classification (germline): Pathogenic (1 of 4 stars; one submission).

Conditions:
Smith-Magenis syndrome (SMS). Also called: CHROMOSOME 17p11.2 DELETION SYNDROME. Identifiers: Orphanet 819, MedGen C0795864, MONDO:0008434, OMIM 182290.

Submission:

Juno Genomics, Hangzhou Juno Genomics, Inc
Classification: Pathogenic for Smith-Magenis syndrome. Review status: criteria provided, single submitter. Criteria: ACMG Guidelines, 2015. Collection method: clinical testing. Allele origin: germline. Affected: yes.
Comment: Null variant in a gene where loss of function (LOF) is a known mechanism of disease.;Absent from controls (or at extremely low frequency if recessive) in Genome Aggregation Database, Exome Sequencing Project, 1000 Genomes Project, or Exome Aggregation Consortium.;Patient's phenotype or family history is highly specific for a disease with a single genetic etiology.;Assumed de novo, but without confirmation of paternity and maternity.

NM_030665.4(RAI1):c.2809_2830delinsCACATGAAG (p.Lys937fs)

Gene: RAI1 (retinoic acid induced 1; plus strand). Cytogenetic location: 17p11.2.
Variant type: Indel.
Coding change: c.2809_2830delinsCACATGAAG on transcript NM_030665.4 (MANE Select); coding-DNA positions 2809 to 2830, AAGGTCCAGAGCTGGTTTGAGT replaced by CACATGAAG.
Protein change: p.Lys937fs; shifts the reading frame from lysine 937.
Molecular consequence: frameshift variant.
Genome position (GRCh38, 1-based): chr17:17,795,757-17,795,778, AAGGTCCAGAGCTGGTTTGAGT replaced by CACATGAAG. VCF-style: chr17-17795757-AAGGTCCAGAGCTGGTTTGAGT-CACATGAAG. GRCh37 (hg19) VCF-style: chr17-17699071-AAGGTCCAGAGCTGGTTTGAGT-CACATGAAG.
Other names: short protein forms K937fs.
Identifiers: ClinVar variation 3383141 (VCV003383141.2).